The following is an entry in ClinVar:

NM_000059.4(BRCA2):c.9143T>C (p.Ile3048Thr)

Gene: BRCA2 (BRCA2 DNA repair associated; plus strand). Cytogenetic location: 13q13.1.
Variant type: single nucleotide variant.
Coding change: c.9143T>C on transcript NM_000059.4 (MANE Select); coding-DNA position 9143, T replaced by C.
Protein change: p.Ile3048Thr; replaces isoleucine 3048 with threonine.
Molecular consequence: missense variant.
Genome position (GRCh38, 1-based): chr13:32,380,032, T>C. VCF-style: chr13-32380032-T-C. GRCh37 (hg19) VCF-style: chr13-32954169-T-C.
Other names: short protein forms I3048T.
Identifiers: ClinVar variation 1020256 (VCV001020256.9), dbSNP rs2072912853, ClinGen allele CA387757875.
Genomic context (GRCh38, chr13:32,380,032, plus strand): 5'-CTCCATATGTTGAATTTTTGTTTTGTTTTCTGTAGGTTTCAGATGAAATTTTATTTCAGA[T>C]TTACCAGCCACGGGAGCCCCTTCACTTCAGCAAATTTTTAGATCCAGACTTTCAGCCATC-3'
Protein context (NP_000050.3, residues 3038-3058): LPVSDEILFQ[Ile3048Thr]YQPREPLHFS

ClinVar aggregate classification (germline): Uncertain significance (1 of 4 stars; one submission).

Conditions:
Hereditary breast ovarian cancer syndrome. Also called: BRCA1- and BRCA2-Associated Hereditary Breast and Ovarian Cancer; Hereditary breast and/or ovarian cancer syndrome; Hereditary breast and ovarian cancer syndrome; Hereditary breast and ovarian cancer; Hereditary breast and ovarian cancer syndrome (HBOC); Breast and ovarian cancer. Identifiers: Orphanet 145, MedGen C0677776, MeSH D061325, MONDO:0003582. Disease mechanism: loss of function.

Submission:

Labcorp Genetics (formerly Invitae), Labcorp
Classification: Uncertain significance for Hereditary breast ovarian cancer syndrome. Last evaluated: 2024-12-30. Review status: criteria provided, single submitter. Criteria: Invitae Variant Classification Sherloc (09022015). Collection method: clinical testing. Allele origin: germline.
Comment: This sequence change replaces isoleucine, which is neutral and non-polar, with threonine, which is neutral and polar, at codon 3048 of the BRCA2 protein (p.Ile3048Thr). This variant is not present in population databases (gnomAD no frequency). This variant has not been reported in the literature in individuals affected with BRCA2-related conditions. ClinVar contains an entry for this variant (Variation ID: 1020256). Invitae Evidence Modeling of protein sequence and biophysical properties (such as structural, functional, and spatial information, amino acid conservation, physicochemical variation, residue mobility, and thermodynamic stability) indicates that this missense variant is not expected to disrupt BRCA2 protein function with a negative predictive value of 95%. In summary, the available evidence is currently insufficient to determine the role of this variant in disease. Therefore, it has been classified as a Variant of Uncertain Significance.